The following is an entry in ClinVar:

NM_005228.5(EGFR):c.1930C>A (p.Pro644Thr)

Gene: EGFR (epidermal growth factor receptor; plus strand). Cytogenetic location: 7p11.2.
Variant type: single nucleotide variant.
Coding change: c.1930C>A on transcript NM_005228.5 (MANE Select); coding-DNA position 1930, C replaced by A.
Protein change: p.Pro644Thr; replaces proline 644 with threonine.
Molecular consequence: missense variant.
Genome position (GRCh38, 1-based): chr7:55,172,993, C>A. VCF-style: chr7-55172993-C-A. GRCh37 (hg19) VCF-style: chr7-55240686-C-A.
Other names: c.1795C>A, p.Pro599Thr (NM_001346897.2, NM_001346899.2); c.1930C>A, p.Pro644Thr (NM_001346898.2); c.1771C>A, p.Pro591Thr (NM_001346900.2); c.1129C>A, p.Pro377Thr (NM_001346941.2); short protein forms P377T, P591T, P599T, P644T.
Identifiers: ClinVar variation 4744695 (VCV004744695.1).

ClinVar aggregate classification (germline): Uncertain significance (1 of 4 stars; one submission).

Conditions:
EGFR-related lung cancer (EGFR). Identifiers: MedGen CN130014.

Submission:

Labcorp Genetics (formerly Invitae), Labcorp
Classification: Uncertain significance for EGFR-related lung cancer. Last evaluated: 2025-05-28. Review status: criteria provided, single submitter. Criteria: Invitae Variant Classification Sherloc (09022015). Collection method: clinical testing. Allele origin: germline.
Comment: This sequence change replaces proline, which is neutral and non-polar, with threonine, which is neutral and polar, at codon 644 of the EGFR protein (p.Pro644Thr). This variant is not present in population databases (gnomAD no frequency). This variant has not been reported in the literature in individuals affected with EGFR-related conditions. Invitae Evidence Modeling of protein sequence and biophysical properties (such as structural, functional, and spatial information, amino acid conservation, physicochemical variation, residue mobility, and thermodynamic stability) indicates that this missense variant is not expected to disrupt EGFR protein function with a negative predictive value of 80%. In summary, the available evidence is currently insufficient to determine the role of this variant in disease. Therefore, it has been classified as a Variant of Uncertain Significance.